The following is an entry in ClinVar:

NM_004287.5(GOSR2):c.136A>G (p.Ser46Gly)

Genes: GOSR2 (golgi SNAP receptor complex member 2; plus strand), LRRC37A2 (leucine rich repeat containing 37 member A2), LOC126862578 (BRD4-independent group 4 enhancer GRCh37_chr17:45008344-45009543; plus strand). Cytogenetic location: 17q21.32.
Variant type: single nucleotide variant.
Coding change: c.136A>G on transcript NM_004287.5 (MANE Select); coding-DNA position 136, A replaced by G.
Protein change: p.Ser46Gly; replaces serine 46 with glycine.
Molecular consequence: missense variant. On other transcripts: non-coding transcript variant (3).
Genome position (GRCh38, 1-based): chr17:46,931,140, A>G. VCF-style: chr17-46931140-A-G. GRCh37 (hg19) VCF-style: chr17-45008506-A-G.
Other names: c.136A>G, p.Ser46Gly (NM_001012511.3, NM_001321133.2, NM_001330252.2 and 1 more transcripts); c.82A>G, p.Ser28Gly (NM_001321134.2, NM_001363851.2); c.133A>G, p.Ser45Gly (NM_001353114.2, NM_001353115.2, NM_001353116.2); short protein forms S28G, S45G, S46G.
Identifiers: ClinVar variation 1435889 (VCV001435889.3), dbSNP rs534119817, ClinGen allele CA8621169.

ClinVar aggregate classification (germline): Uncertain significance (1 of 4 stars; one submission).

Conditions:
Progressive myoclonic epilepsy. Also called: Progressive myoclonus epilepsy; Familial progressive myoclonic epilepsy; Myoclonic Epilepsies, Progressive; Myoclonus epilepsy. Identifiers: Orphanet 308, Orphanet 98261, MedGen C0751778, MONDO:0020074.

Allele frequency attached by ClinVar (database versions not stated): gnomAD exomes below 0.00001; ExAC 0.00001; gnomAD 0.00001; 1000 Genomes Project 30x 0.00016; 1000 Genomes Project 0.00020.
gnomAD v4.1: 2 of 1,611,146 alleles (0.00012%); highest among the groups gnomAD compares: Admixed American, 0.0033%; no homozygotes.

Submission:

Labcorp Genetics (formerly Invitae), Labcorp
Classification: Uncertain significance for Progressive myoclonic epilepsy. Last evaluated: 2022-06-13. Review status: criteria provided, single submitter. Criteria: Invitae Variant Classification Sherloc (09022015). Collection method: clinical testing. Allele origin: germline.
Comment: This sequence change replaces serine, which is neutral and polar, with glycine, which is neutral and non-polar, at codon 46 of the GOSR2 protein (p.Ser46Gly). This variant is present in population databases (rs534119817, gnomAD 0.003%). This variant has not been reported in the literature in individuals affected with GOSR2-related conditions. Algorithms developed to predict the effect of missense changes on protein structure and function (SIFT, PolyPhen-2, Align-GVGD) all suggest that this variant is likely to be tolerated. In summary, the available evidence is currently insufficient to determine the role of this variant in disease. Therefore, it has been classified as a Variant of Uncertain Significance.